The following is an entry in ClinVar:

NM_006947.4(SRP72):c.367G>T (p.Glu123Ter)

Gene: SRP72 (signal recognition particle 72; plus strand). Cytogenetic location: 4q12.
Variant type: single nucleotide variant.
Coding change: c.367G>T on transcript NM_006947.4 (MANE Select); coding-DNA position 367, G replaced by T.
Protein change: p.Glu123Ter; replaces glutamic acid 123 with a stop codon.
Molecular consequence: nonsense. On other transcripts: non-coding transcript variant (1).
Genome position (GRCh38, 1-based): chr4:56,474,066, G>T. VCF-style: chr4-56474066-G-T. GRCh37 (hg19) VCF-style: chr4-57340232-G-T.
Other names: c.367G>T, p.Glu123Ter (NM_001267722.2); short protein forms E123*.
Identifiers: ClinVar variation 2986120 (VCV002986120.3), dbSNP rs371395066, ClinGen allele CA97588193.
Genomic context (GRCh38, chr4:56,474,066, plus strand): 5'-ATAACACCATATTTGTCTCTGATTTTTTACTTGCTATTTATTATTCAGTTATACCGTTTG[G>T]AACGCTATGATGAATGCTTAGCAGTGTATAGAGATCTCGTCCGAAACTCCCAAGATGATT-3'

ClinVar aggregate classification (germline): Uncertain significance (1 of 4 stars; one submission).

Allele frequency attached by ClinVar (database versions not stated): gnomAD exomes 0.00001; ESP Exome Variant Server 0.00008.
gnomAD v4.1: 9 of 1,613,530 alleles (0.00056%); highest among the groups gnomAD compares: Non-Finnish European, 0.00068%; no homozygotes.

Submission:

Labcorp Genetics (formerly Invitae), Labcorp
Classification: Uncertain significance. Last evaluated: 2023-07-26. Review status: criteria provided, single submitter. Criteria: Invitae Variant Classification Sherloc (09022015). Collection method: clinical testing. Allele origin: germline.
Comment: Algorithms developed to predict the effect of sequence changes on RNA splicing suggest that this variant may create or strengthen a splice site. This variant has not been reported in the literature in individuals affected with SRP72-related conditions. This variant is not present in population databases (gnomAD no frequency). This sequence change creates a premature translational stop signal (p.Glu123*) in the SRP72 gene. It is expected to result in an absent or disrupted protein product. However, the current clinical and genetic evidence is not sufficient to establish whether loss-of-function variants in SRP72 cause disease. In summary, the available evidence is currently insufficient to determine the role of this variant in disease. Therefore, it has been classified as a Variant of Uncertain Significance.